The following is an entry in ClinVar:

ClinVar aggregate classification (germline): Likely benign (1 of 4 stars; one submission).

Allele frequency attached by ClinVar (database versions not stated): TOPMed below 0.00001 and 0.00001; gnomAD 0.00001.

Submission:

GeneDx
Classification: Likely benign. Last evaluated: 2017-04-14. Review status: criteria provided, single submitter. Criteria: GeneDx Variant Classification (06012015). Collection method: clinical testing. Allele origin: germline. Affected: yes.
Comment: This variant is considered likely benign or benign based on one or more of the following criteria: it is a conservative change, it occurs at a poorly conserved position in the protein, it is predicted to be benign by multiple in silico algorithms, and/or has population frequency not consistent with disease.

NM_007254.4(PNKP):c.1126+17T>C

Gene: PNKP (polynucleotide kinase 3'-phosphatase; minus strand). Cytogenetic location: 19q13.33.
Variant type: single nucleotide variant.
Coding change: c.1126+17T>C on transcript NM_007254.4 (MANE Select); 17 bases into the intron after coding-DNA position 1126, T replaced by C.
Molecular consequence: intron variant.
Genome position (GRCh38, 1-based): chr19:49,862,168, A>G on the plus strand (T>C on the coding strand, the complement: PNKP is on the minus strand). VCF-style: chr19-49862168-A-G. GRCh37 (hg19) VCF-style: chr19-50365425-A-G.
Identifiers: ClinVar variation 508900 (VCV000508900.1), dbSNP rs1384026505, ClinGen allele CA658799282.